The following is an entry in ClinVar:

NM_014264.5(PLK4):c.108G>T (p.Leu36Phe)

Gene: PLK4 (polo like kinase 4; plus strand). Cytogenetic location: 4q28.1.
Variant type: single nucleotide variant.
Coding change: c.108G>T on transcript NM_014264.5 (MANE Select); coding-DNA position 108, G replaced by T.
Protein change: p.Leu36Phe; replaces leucine 36 with phenylalanine.
Molecular consequence: missense variant. On other transcripts: 5 prime UTR variant (1).
Genome position (GRCh38, 1-based): chr4:127,881,908, G>T. VCF-style: chr4-127881908-G-T. GRCh37 (hg19) VCF-style: chr4-128803063-G-T.
Other names: c.108G>T, p.Leu36Phe (NM_001190799.2); c.-16G>T (NM_001190801.2); short protein forms L36F.
Identifiers: ClinVar variation 1020155 (VCV001020155.2), dbSNP rs1734946623, ClinGen allele CA358167192.

ClinVar aggregate classification (germline): Uncertain significance (1 of 4 stars; one submission).

Allele frequency attached by ClinVar (database versions not stated): TOPMed below 0.00001.

Submission:

Labcorp Genetics (formerly Invitae), Labcorp
Classification: Uncertain significance. Last evaluated: 2022-09-27. Review status: criteria provided, single submitter. Criteria: Invitae Variant Classification Sherloc (09022015). Collection method: clinical testing. Allele origin: germline.
Comment: This sequence change replaces leucine, which is neutral and non-polar, with phenylalanine, which is neutral and non-polar, at codon 36 of the PLK4 protein (p.Leu36Phe). This variant is not present in population databases (gnomAD no frequency). This variant has not been reported in the literature in individuals affected with PLK4-related conditions. ClinVar contains an entry for this variant (Variation ID: 1020155). Algorithms developed to predict the effect of missense changes on protein structure and function are either unavailable or do not agree on the potential impact of this missense change (SIFT: "Tolerated"; PolyPhen-2: "Probably Damaging"; Align-GVGD: "Class C0"). In summary, the available evidence is currently insufficient to determine the role of this variant in disease. Therefore, it has been classified as a Variant of Uncertain Significance.